The following is an entry in ClinVar:

ClinVar aggregate classification (germline): Pathogenic. Review status: criteria provided, multiple submitters, no conflicts (2 of 4 stars). 6 submissions from 5 submitters: Pathogenic (5). 1 of the submissions does not count toward it. Last evaluated 2023-11-02.

Conditions:
Retinal dystrophy. Also called: Inherited retinal dystrophy. Identifiers: Orphanet 71862, MedGen C0854723, MeSH D058499, MONDO:0019118, HP:0000556.
Severe early-childhood-onset retinal dystrophy (STGD1). Also called: MACULAR DYSTROPHY WITH FLECKS, TYPE 1; STGD; Stargardt disease 1; Stargardt macular dystrophy; Juvenile onset macular degeneration. Identifiers: Orphanet 364055, Orphanet 827, MedGen C1855465, MeSH D000080362, MONDO:0009549, OMIM 248200.

Submissions (6):

Labcorp Genetics (formerly Invitae), Labcorp
Classification: Pathogenic. Last evaluated: 2023-11-02. Review status: criteria provided, single submitter. Criteria: Invitae Variant Classification Sherloc (09022015). Collection method: clinical testing. Allele origin: germline.
Comment: This sequence change creates a premature translational stop signal (p.Asn99Lysfs*62) in the ABCA4 gene. It is expected to result in an absent or disrupted protein product. Loss-of-function variants in ABCA4 are known to be pathogenic (PMID: 10958761, 24938718, 25312043, 26780318). This variant is not present in population databases (gnomAD no frequency). This premature translational stop signal has been observed in individual(s) with Stargardt disease (PMID: 10958763). This variant is also known as 296insA. ClinVar contains an entry for this variant (Variation ID: 99181). For these reasons, this variant has been classified as Pathogenic.

Institute of Medical Genetics and Applied Genomics, University Hospital Tübingen
Classification: Pathogenic. Last evaluated: 2020-10-23. Review status: criteria provided, single submitter. Criteria: ACMG Guidelines, 2015. Collection method: clinical testing. Allele origin: germline. Inheritance: Unknown mechanism. Affected: yes.

GeneDx
Classification: Pathogenic. Last evaluated: 2020-09-18. Review status: criteria provided, single submitter. Criteria: GeneDx Variant Classification Process June 2021. Collection method: clinical testing. Allele origin: germline. Affected: yes.
Comment: Frameshift variant predicted to result in protein truncation or nonsense mediated decay in a gene for which loss-of-function is a known mechanism of disease; Not observed in large population cohorts (Lek et al., 2016); This variant is associated with the following publications: (PMID: 10958763, 28118664)

Institute of Human Genetics, Univ. Regensburg, Univ. Regensburg
Classification: Pathogenic for Severe early-childhood-onset retinal dystrophy. Last evaluated: 2016-01-01. Review status: criteria provided, single submitter. Criteria: Schulz et al. (Invest Ophthalmol Vis Sci. 2017). Collection method: clinical testing. Allele origin: germline. Affected: yes. Observed: 1 heterozygote.

Institute of Human Genetics, Univ. Regensburg, Univ. Regensburg
Classification: Pathogenic for Retinal dystrophy. Last evaluated: 2011-01-01. Review status: criteria provided, single submitter. Criteria: ACMG Guidelines, 2015. Collection method: clinical testing. Allele origin: germline. Affected: yes.

Retina International
No classification provided. Review status: no classification provided. Collection method: not provided. Allele origin: not provided. Not counted in ClinVar's aggregate classification.

Literature cited by the submitters: PubMed 10958761 (cited by Labcorp Genetics (formerly Invitae), Labcorp); PubMed 24938718 (cited by Labcorp Genetics (formerly Invitae), Labcorp); PubMed 25312043 (cited by Labcorp Genetics (formerly Invitae), Labcorp); PubMed 26780318 (cited by Labcorp Genetics (formerly Invitae), Labcorp); PubMed 10958763 (cited by Labcorp Genetics (formerly Invitae), Labcorp and Institute of Human Genetics, Univ. Regensburg, Univ. Regensburg).

NM_000350.3(ABCA4):c.296dup (p.Asn99fs)

Gene: ABCA4 (ATP binding cassette subfamily A member 4; minus strand). Cytogenetic location: 1p22.1.
Variant type: Duplication.
Coding change: c.296dup on transcript NM_000350.3 (MANE Select); coding-DNA position 296, one base duplicated (A; older notation c.296dupA).
Protein change: p.Asn99fs; shifts the reading frame from asparagine 99.
Molecular consequence: frameshift variant.
Genome position (GRCh38, 1-based): chr1:94,111,444, T duplicated on the plus strand (A on the coding strand, the reverse complement: ABCA4 is on the minus strand); the first of 2 consecutive T bases (chr1:94,111,444-94,111,445); duplicating either gives the same sequence. VCF-style (leftmost placement, unchanged base first): chr1-94111443-G-GT. GRCh37 (hg19) VCF-style: chr1-94576999-G-GT.
Other names: c.295dup, p.Asn99Lysfs (NM_001425324.1); short protein forms N99fs.
Identifiers: ClinVar variation 99181 (VCV000099181.10), dbSNP rs62645948, ClinGen allele CA227060.